The following is an entry in ClinVar:

NM_017802.4(DNAAF5):c.800C>T (p.Ser267Phe)

Gene: DNAAF5 (dynein axonemal assembly factor 5; plus strand). Cytogenetic location: 7p22.3.
Variant type: single nucleotide variant.
Coding change: c.800C>T on transcript NM_017802.4 (MANE Select); coding-DNA position 800, C replaced by T.
Protein change: p.Ser267Phe; replaces serine 267 with phenylalanine.
Molecular consequence: missense variant. On other transcripts: non-coding transcript variant (1).
Genome position (GRCh38, 1-based): chr7:740,838, C>T. VCF-style: chr7-740838-C-T. GRCh37 (hg19) VCF-style: chr7-780475-C-T.
Other names: c.800C>T (NM_017802.3); short protein forms S267F.
Identifiers: ClinVar variation 1497464 (VCV001497464.6), dbSNP rs1583482187, ClinGen allele CA366533967.
Genomic context (GRCh38, chr7:740,838, plus strand): 5'-CTTTGCCTACACGAATCCTTATCCCTTCCTCTCATGCGCAGGTCCGGCGGGCGGTGGCCT[C>T]CGTGGTGGGCGGCTGGCTGCTGTGTCTGCGTGACCGTTACTCCTTCTTCCACAAGCTCAT-3'
Protein context (NP_060272.3, residues 257-277): DVPQVRRAVA[Ser267Phe]VVGGWLLCLR

ClinVar aggregate classification (germline): Uncertain significance. Review status: criteria provided, multiple submitters, no conflicts (2 of 4 stars). 3 submissions from 3 submitters: Uncertain significance (3). Last evaluated 2025-08-10.

Conditions:
Primary ciliary dyskinesia. Also called: Ciliary dyskinesia. Identifiers: Orphanet 244, MedGen C0008780, MONDO:0016575, HP:0012265.
DNAAF5-related disorder. Also called: DNAAF5-related condition.

Allele frequency attached by ClinVar (database versions not stated): gnomAD exomes below 0.00001; TOPMed below 0.00001.

Submissions (3):

Ambry Genetics
Classification: Uncertain significance for Primary ciliary dyskinesia. Last evaluated: 2025-08-10. Review status: criteria provided, single submitter. Criteria: Ambry Variant Classification Scheme 2023. Collection method: clinical testing. Allele origin: germline.

PreventionGenetics, part of Exact Sciences
Classification: Uncertain significance for DNAAF5-related condition. Last evaluated: 2023-03-15. Review status: criteria provided, single submitter. Criteria: ACMG Guidelines, 2015. Collection method: clinical testing. Allele origin: germline.
Comment: The DNAAF5 c.800C>T variant is predicted to result in the amino acid substitution p.Ser267Phe. To our knowledge, this variant has not been reported in the literature or in a large population database, indicating this variant is rare. At this time, the clinical significance of this variant is uncertain due to the absence of conclusive functional and genetic evidence.

Labcorp Genetics (formerly Invitae), Labcorp
Classification: Uncertain significance for Primary ciliary dyskinesia. Last evaluated: 2021-09-17. Review status: criteria provided, single submitter. Criteria: Invitae Variant Classification Sherloc (09022015). Collection method: clinical testing. Allele origin: germline.
Comment: In summary, the available evidence is currently insufficient to determine the role of this variant in disease. Therefore, it has been classified as a Variant of Uncertain Significance. Algorithms developed to predict the effect of missense changes on protein structure and function (SIFT, PolyPhen-2, Align-GVGD) all suggest that this variant is likely to be tolerated. This variant has not been reported in the literature in individuals affected with DNAAF5-related conditions. This variant is not present in population databases (ExAC no frequency). This sequence change replaces serine with phenylalanine at codon 267 of the DNAAF5 protein (p.Ser267Phe). The serine residue is weakly conserved and there is a large physicochemical difference between serine and phenylalanine.